The following is an entry in ClinVar:

ClinVar aggregate classification (germline): Uncertain significance (1 of 4 stars; one submission).

Submission:

CeGaT Center for Human Genetics Tuebingen
Classification: Uncertain significance. Last evaluated: 2022-07-01. Review status: criteria provided, single submitter. Criteria: CeGaT Center For Human Genetics Tuebingen Variant Classification Criteria Version 2. Collection method: clinical testing. Allele origin: germline. Affected: yes. Observed: 1 variant allele.
Comment: RERE: PM2

NM_001042681.2(RERE):c.1682A>C (p.Glu561Ala)

Gene: RERE (arginine-glutamic acid dipeptide repeats; minus strand). Cytogenetic location: 1p36.23.
Variant type: single nucleotide variant.
Coding change: c.1682A>C on transcript NM_001042681.2 (MANE Select); coding-DNA position 1682, A replaced by C.
Protein change: p.Glu561Ala; replaces glutamic acid 561 with alanine.
Molecular consequence: missense variant.
Genome position (GRCh38, 1-based): chr1:8,364,114, T>G on the plus strand (A>C on the coding strand, the complement: RERE is on the minus strand). VCF-style: chr1-8364114-T-G. GRCh37 (hg19) VCF-style: chr1-8424174-T-G.
Other names: c.20A>C, p.Glu7Ala (NM_001042682.2); c.1682A>C, p.Glu561Ala (NM_012102.4); short protein forms E561A, E7A.
Identifiers: ClinVar variation 2638179 (VCV002638179.24), dbSNP rs2522737904, ClinGen allele CA338174223.
Genomic context (GRCh38, chr1:8,364,114, plus strand): 5'-ACCGAGCCCCGACTCCGCCGTGTCCTCATGCTATGCTTCCCACTGAGCCCATCATCCTCT[T>G]CCTTGACGGGTTTGAACATAAACGGTGGCGGGTCCACGGGCTTCTCAATGGGCGGGAGCT-3'
Protein context (NP_001036146.1, residues 551-571): PPPFMFKPVK[Glu561Ala]EDDGLSGKHS